The following is an entry in ClinVar:

NM_001369.3(DNAH5):c.2549_2550insTGTCTCTTATACACAT (p.Cys851fs)

Genes: DNAH5-AS1 (DNAH5 antisense RNA 1; plus strand), DNAH5 (dynein axonemal heavy chain 5; minus strand). Cytogenetic location: 5p15.2.
Variant type: Insertion.
Coding change: c.2549_2550insTGTCTCTTATACACAT on transcript NM_001369.3 (MANE Select); coding-DNA positions 2549 to 2550, TGTCTCTTATACACAT inserted.
Protein change: p.Cys851fs; shifts the reading frame from cysteine 851.
Molecular consequence: frameshift variant.
Genome position: GRCh38 VCF-style: chr5-13891003-G-GATGTGTATAAGAGACA. GRCh37 (hg19) VCF-style: chr5-13891112-G-GATGTGTATAAGAGACA.
Other names: short protein forms C851fs.
Identifiers: ClinVar variation 5010704 (VCV005010704.1).

ClinVar aggregate classification (germline): Pathogenic (1 of 4 stars; one submission).

Conditions:
Primary ciliary dyskinesia 3. Identifiers: Orphanet 244, MedGen C1837618, MONDO:0012085, OMIM 608644.

Submission:

Myriad Genetics, Inc.
Classification: Pathogenic for Primary ciliary dyskinesia 3. Last evaluated: 2024-05-14. Review status: criteria provided, single submitter. Criteria: Myriad Autosomal Dominant, Autosomal Recessive and X-Linked Classification Criteria (2023). Collection method: clinical testing. Allele origin: unknown.
Comment: NM_001369.2(DNAH5):c.2549_2550ins16(C851Vfs*7) is expected to be pathogenic in the context of primary ciliary dyskinesia, DNAH5-related. This variant is predicted to lead to an abnormal or absent protein product due to the creation of a premature termination codon in DNAH5, a gene where loss-of-function variants are known to be pathogenic. Please note: this variant was assessed in the context of healthy population screening.